The following is an entry in ClinVar:

NM_000260.4(MYO7A):c.61G>A (p.Asp21Asn)

Gene: MYO7A (myosin VIIA; plus strand). Cytogenetic location: 11q13.5.
Variant type: single nucleotide variant.
Coding change: c.61G>A on transcript NM_000260.4 (MANE Select); coding-DNA position 61, G replaced by A.
Protein change: p.Asp21Asn; replaces aspartic acid 21 with asparagine.
Molecular consequence: missense variant.
Genome position (GRCh38, 1-based): chr11:77,142,751, G>A. VCF-style: chr11-77142751-G-A. GRCh37 (hg19) VCF-style: chr11-76853797-G-A.
Other names: c.61G>A, p.Asp21Asn (NM_001127180.2); c.28G>A, p.Asp10Asn (NM_001369365.1); short protein forms D10N, D21N.
Identifiers: ClinVar variation 845789 (VCV000845789.8), dbSNP rs782546306, ClinGen allele CA6197015.

ClinVar aggregate classification (germline): Conflicting classifications of pathogenicity. Review status: criteria provided, conflicting classifications (1 of 4 stars). 4 submissions from 4 submitters: Uncertain significance (2); Likely benign (1). 1 of the submissions does not count toward it. Last evaluated 2026-01-27.

Conditions:
Usher syndrome type 1B (USH1B). Also called: Usher syndrome type IB. Identifiers: MedGen C1848638, MONDO:0700087.

Allele frequency attached by ClinVar (database versions not stated): TOPMed 0.00003; ExAC 0.00004; gnomAD 0.00004 and 0.00007; gnomAD exomes 0.00004 and 0.00005.
gnomAD v4.1: 80 of 1,612,068 alleles (0.005%); highest among the groups gnomAD compares: Middle Eastern, 0.13%; no homozygotes.

Submissions (4):

Labcorp Genetics (formerly Invitae), Labcorp
Classification: Likely benign. Last evaluated: 2026-01-27. Review status: criteria provided, single submitter. Criteria: Invitae Variant Classification Sherloc (09022015). Collection method: clinical testing. Allele origin: germline.

Blueprint Genetics
Classification: Uncertain significance. Last evaluated: 2023-11-28. Review status: criteria provided, single submitter. Criteria: ACMG Guidelines, 2015. Collection method: clinical testing. Allele origin: germline.

GeneDx
Classification: Uncertain significance. Last evaluated: 2022-11-08. Review status: criteria provided, single submitter. Criteria: GeneDx Variant Classification Process June 2021. Collection method: clinical testing. Allele origin: germline. Affected: yes.
Comment: In silico analysis supports that this missense variant does not alter protein structure/function; Has not been previously published as pathogenic or benign to our knowledge

Natera, Inc.
Classification: Uncertain significance for Usher syndrome type 1B. Last evaluated: 2020-01-24. Review status: no assertion criteria provided. Collection method: clinical testing. Allele origin: germline. Not counted in ClinVar's aggregate classification.